The following is an entry in ClinVar:

NM_001042545.2(LTBP4):c.4573C>T (p.Arg1525Cys)

Gene: LTBP4 (latent transforming growth factor beta binding protein 4; plus strand). Cytogenetic location: 19q13.2.
Variant type: single nucleotide variant.
Coding change: c.4573C>T on transcript NM_001042545.2 (MANE Select); coding-DNA position 4573, C replaced by T.
Protein change: p.Arg1525Cys; replaces arginine 1525 with cysteine.
Molecular consequence: missense variant.
Genome position (GRCh38, 1-based): chr19:40,629,449, C>T. VCF-style: chr19-40629449-C-T. GRCh37 (hg19) VCF-style: chr19-41135354-C-T.
Other names: c.4774C>T, p.Arg1592Cys (NM_001042544.1); c.4663C>T, p.Arg1555Cys (NM_003573.2); short protein forms R1555C, R1592C, R1525C.
Identifiers: ClinVar variation 1909653 (VCV001909653.4), dbSNP rs772133700, ClinGen allele CA9449382.

ClinVar aggregate classification (germline): Uncertain significance (1 of 4 stars; one submission).

Allele frequency attached by ClinVar (database versions not stated): ExAC 0.00001; gnomAD exomes 0.00001.
gnomAD v4.1: 9 of 1,612,570 alleles (0.00056%); highest among the groups gnomAD compares: Non-Finnish European, 0.00076%; no homozygotes.

Submission:

Labcorp Genetics (formerly Invitae), Labcorp
Classification: Uncertain significance. Last evaluated: 2022-08-12. Review status: criteria provided, single submitter. Criteria: Invitae Variant Classification Sherloc (09022015). Collection method: clinical testing. Allele origin: germline.
Comment: This sequence change replaces arginine, which is basic and polar, with cysteine, which is neutral and slightly polar, at codon 1555 of the LTBP4 protein (p.Arg1555Cys). This variant is present in population databases (rs772133700, gnomAD 0.0009%). This variant has not been reported in the literature in individuals affected with LTBP4-related conditions. Experimental studies and prediction algorithms are not available or were not evaluated, and the functional significance of this variant is currently unknown. In summary, the available evidence is currently insufficient to determine the role of this variant in disease. Therefore, it has been classified as a Variant of Uncertain Significance.